The following is an entry in ClinVar:

NM_015335.5(MED13L):c.829C>G (p.Arg277Gly)

Gene: MED13L (mediator complex subunit 13L; minus strand). Cytogenetic location: 12q24.21.
Variant type: single nucleotide variant.
Coding change: c.829C>G on transcript NM_015335.5 (MANE Select); coding-DNA position 829, C replaced by G.
Protein change: p.Arg277Gly; replaces arginine 277 with glycine.
Molecular consequence: missense variant.
Genome position (GRCh38, 1-based): chr12:116,019,404, G>C on the plus strand (C>G on the coding strand, the complement: MED13L is on the minus strand). VCF-style: chr12-116019404-G-C. GRCh37 (hg19) VCF-style: chr12-116457209-G-C.
Other names: c.829C>G (NM_015335.4); short protein forms R277G.
Identifiers: ClinVar variation 2921078 (VCV002921078.5), dbSNP rs1879920345, ClinGen allele CA386899573.

ClinVar aggregate classification (germline): Uncertain significance. Review status: criteria provided, multiple submitters, no conflicts (2 of 4 stars). 3 submissions from 3 submitters: Uncertain significance (3). Last evaluated 2026-04-24.

Conditions:
Dextro-looped transposition of the great arteries. Also called: Dextrotransposition of the great arteries. Identifiers: Orphanet 860, MedGen C3531771, MONDO:0019443, OMIM 608808, HP:0031348.
Cardiac anomalies - developmental delay - facial dysmorphism syndrome (MRFACD). Also called: MED13L Syndrome; Impaired intellectual development and distinctive facial features with or without cardiac defects. Identifiers: Orphanet 369891, MedGen C5192431, MONDO:0014773, OMIM 616789.

Submissions (3):

GeneDx
Classification: Uncertain significance. Last evaluated: 2026-04-24. Review status: criteria provided, single submitter. Criteria: GeneDx Variant Classification Process June 2021. Collection method: clinical testing. Allele origin: germline.
Comment: Not observed at significant frequency in large population cohorts (gnomAD); In silico analysis supports that this missense variant has a deleterious effect on protein structure/function; Has not been previously published as pathogenic or benign to our knowledge

Labcorp Genetics (formerly Invitae), Labcorp
Classification: Uncertain significance for Dextro-looped transposition of the great arteries. Last evaluated: 2024-07-11. Review status: criteria provided, single submitter. Criteria: Invitae Variant Classification Sherloc (09022015). Collection method: clinical testing. Allele origin: germline.
Comment: This sequence change replaces arginine, which is basic and polar, with glycine, which is neutral and non-polar, at codon 277 of the MED13L protein (p.Arg277Gly). This variant is not present in population databases (gnomAD no frequency). This variant has not been reported in the literature in individuals affected with MED13L-related conditions. Advanced modeling of protein sequence and biophysical properties (such as structural, functional, and spatial information, amino acid conservation, physicochemical variation, residue mobility, and thermodynamic stability) performed at Invitae indicates that this missense variant is expected to disrupt MED13L protein function with a positive predictive value of 80%. In summary, the available evidence is currently insufficient to determine the role of this variant in disease. Therefore, it has been classified as a Variant of Uncertain Significance.

ARUP Laboratories, Molecular Genetics and Genomics, ARUP Laboratories
Classification: Uncertain significance for Cardiac anomalies - developmental delay - facial dysmorphism syndrome. Last evaluated: 2023-10-02. Review status: criteria provided, single submitter. Criteria: ARUP Molecular Germline Variant Investigation Process 2024. Collection method: clinical testing. Allele origin: germline.